The following is an entry in ClinVar:

NM_000051.4(ATM):c.4084A>G (p.Ser1362Gly)

Gene: ATM (ATM serine/threonine kinase; plus strand). Cytogenetic location: 11q22.3.
Variant type: single nucleotide variant.
Coding change: c.4084A>G on transcript NM_000051.4 (MANE Select); coding-DNA position 4084, A replaced by G.
Protein change: p.Ser1362Gly; replaces serine 1362 with glycine.
Molecular consequence: missense variant.
Genome position (GRCh38, 1-based): chr11:108,287,690, A>G. VCF-style: chr11-108287690-A-G. GRCh37 (hg19) VCF-style: chr11-108158417-A-G.
Other names: c.4084A>G, p.Ser1362Gly (NM_001351834.2); short protein forms S1362G.
Identifiers: ClinVar variation 629837 (VCV000629837.13), dbSNP rs1565452907, ClinGen allele CA382528368.

ClinVar aggregate classification (germline): Uncertain significance. Review status: criteria provided, multiple submitters, no conflicts (2 of 4 stars). 2 submissions from 2 submitters: Uncertain significance (2). Last evaluated 2025-06-08.

Conditions:
Hereditary cancer-predisposing syndrome. Also called: Tumor predisposition; Neoplastic Syndromes, Hereditary; Hereditary Cancer Syndrome; Hereditary neoplastic syndrome. Identifiers: Orphanet 140162, MedGen C0027672, MeSH D009386, MONDO:0015356.
Ataxia-telangiectasia syndrome (AT). Also called: ATAXIA-TELANGIECTASIA, COMPLEMENTATION GROUP A; ATAXIA-TELANGIECTASIA, FRESNO VARIANT; LOUIS-BAR SYNDROME; Ataxia telangiectasia (A-T); Cerebello-oculocutaneous telangiectasia; Immunodeficiency with ataxia telangiectasia. Identifiers: Orphanet 100, MedGen C0004135, MONDO:0008840, OMIM 208900.

Submissions (2):

Labcorp Genetics (formerly Invitae), Labcorp
Classification: Uncertain significance for Ataxia-telangiectasia syndrome. Last evaluated: 2025-06-08. Review status: criteria provided, single submitter. Criteria: Invitae Variant Classification Sherloc (09022015). Collection method: clinical testing. Allele origin: germline.
Comment: This sequence change replaces serine, which is neutral and polar, with glycine, which is neutral and non-polar, at codon 1362 of the ATM protein (p.Ser1362Gly). This variant is not present in population databases (gnomAD no frequency). This variant has not been reported in the literature in individuals affected with ATM-related conditions. ClinVar contains an entry for this variant (Variation ID: 629837). Invitae Evidence Modeling of protein sequence and biophysical properties (such as structural, functional, and spatial information, amino acid conservation, physicochemical variation, residue mobility, and thermodynamic stability) indicates that this missense variant is not expected to disrupt ATM protein function with a negative predictive value of 95%. In summary, the available evidence is currently insufficient to determine the role of this variant in disease. Therefore, it has been classified as a Variant of Uncertain Significance.

Color Diagnostics, LLC DBA Color Health
Classification: Uncertain significance for Hereditary cancer-predisposing syndrome. Last evaluated: 2023-12-05. Review status: criteria provided, single submitter. Criteria: ACMG Guidelines, 2015. Collection method: clinical testing. Allele origin: germline.
Comment: This missense variant replaces serine with glycine at codon 1362 of the ATM protein. Computational prediction suggests that this variant may not impact protein structure and function (internally defined REVEL score threshold <= 0.5, PMID: 27666373). To our knowledge, functional studies have not been reported for this variant. This variant has not been reported in individuals affected with ATM-related disorders in the literature. This variant has not been identified in the general population by the Genome Aggregation Database (gnomAD). The available evidence is insufficient to determine the role of this variant in disease conclusively. Therefore, this variant is classified as a Variant of Uncertain Significance.